The following is an entry in ClinVar:

ClinVar aggregate classification (germline): Pathogenic. Review status: criteria provided, multiple submitters, no conflicts (2 of 4 stars). 3 submissions from 3 submitters: Pathogenic (2). 1 of the submissions does not count toward it. Last evaluated 2024-01-23.

Conditions:
Pyruvate dehydrogenase E3-binding protein deficiency (PDHXD). Also called: E3-Binding Protein (Component X) Deficiency; LACTIC ACIDEMIA DUE TO DEFECT IN LIPOYL-CONTAINING COMPONENT X OF THE PYRUVATE DEHYDROGENASE COMPLEX; Lacticacidemia due to PDX1 deficiency; PYRUVATE HYDROGENASE E3-BINDING PROTEIN DEFICIENCY. Identifiers: Orphanet 255182, MedGen C1855553, MONDO:0009503, OMIM 245349.

Allele frequency attached by ClinVar (database versions not stated): ExAC 0.00001; gnomAD exomes 0.00001; TOPMed 0.00001.
gnomAD v4.1: 24 of 1,614,192 alleles (0.0015%); highest among the groups gnomAD compares: Non-Finnish European, 0.0019%; no homozygotes.

Submissions (3):

Institute of Human Genetics, University of Leipzig Medical Center
Classification: Pathogenic for Pyruvate dehydrogenase E3-binding protein deficiency. Last evaluated: 2024-01-23. Review status: criteria provided, single submitter. Criteria: ACMG Guidelines, 2015. Collection method: clinical testing. Allele origin: unknown. Inheritance: Autosomal recessive inheritance. Affected: yes.
Comment: Criteria applied: PVS1,PM3,PM2_SUP

Institute of Medical Genetics and Genomics, Sir Ganga Ram Hospital
Classification: Pathogenic for Pyruvate dehydrogenase E3-binding protein deficiency. Last evaluated: 2023-10-23. Review status: criteria provided, single submitter. Criteria: ACMG Guidelines, 2015. Collection method: clinical testing. Allele origin: germline. Inheritance: Autosomal recessive inheritance. Affected: yes. Observed: 1 homozygote.
Comment: Metabolic acidosis and increased lactate. MRI brain: periventricular leukomalacia. This nucleotide change is absent in gnomAD database [PM2]. Insilico prediction [MutationTaster] predicts a deleterious nature of this variant. A clinvar entry for this variant is available [Variation ID: 2881] with an interpretation of “Pathogenic” [PP5]. Based on the clinical correlation and available evidence, this variant is classified as "Pathogenic"

OMIM
Classification: Pathogenic for PYRUVATE DEHYDROGENASE E3-BINDING PROTEIN DEFICIENCY. Last evaluated: 2007-02-01. Review status: no assertion criteria provided. Collection method: literature only. Allele origin: germline. Not counted in ClinVar's aggregate classification.

Literature cited by the submitters: PubMed 17152059 (cited by OMIM).

NM_003477.3(PDHX):c.742C>T (p.Gln248Ter)

Gene: PDHX (pyruvate dehydrogenase complex component X; plus strand). Cytogenetic location: 11p13.
Variant type: single nucleotide variant.
Coding change: c.742C>T on transcript NM_003477.3 (MANE Select); coding-DNA position 742, C replaced by T.
Protein change: p.Gln248Ter; replaces glutamine 248 with a stop codon.
Molecular consequence: nonsense. On other transcripts: intron variant (1).
Genome position (GRCh38, 1-based): chr11:34,966,740, C>T. VCF-style: chr11-34966740-C-T. GRCh37 (hg19) VCF-style: chr11-34988287-C-T.
Other names: c.562C>T, p.Gln188Ter (NM_001135024.2); c.343-17830C>T (NM_001166158.2); short protein forms Q248*, Q188*.
Identifiers: ClinVar variation 2118 (VCV000002118.4), dbSNP rs113309941, ClinGen allele CA115356.